The following is an entry in ClinVar:

NM_005859.5(PURA):c.779C>G (p.Pro260Arg)

Gene: PURA (purine rich element binding protein A; plus strand). Cytogenetic location: 5q31.3.
Variant type: single nucleotide variant.
Coding change: c.779C>G on transcript NM_005859.5 (MANE Select); coding-DNA position 779, C replaced by G.
Protein change: p.Pro260Arg; replaces proline 260 with arginine.
Molecular consequence: missense variant.
Genome position (GRCh38, 1-based): chr5:140,114,960, C>G. VCF-style: chr5-140114960-C-G. GRCh37 (hg19) VCF-style: chr5-139494545-C-G.
Other names: short protein forms P260R.
Identifiers: ClinVar variation 812174 (VCV000812174.6), dbSNP rs1064795567, ClinGen allele CA361491523.

ClinVar aggregate classification (germline): Likely pathogenic. Review status: criteria provided, multiple submitters, no conflicts (2 of 4 stars). 2 submissions from 2 submitters: Likely pathogenic (2). Last evaluated 2022-08-16.

Conditions:
PURA-related severe neonatal hypotonia-seizures-encephalopathy syndrome (NEDRIHF). Also called: NEURODEVELOPMENTAL DISORDER WITH NEONATAL RESPIRATORY INSUFFICIENCY, HYPOTONIA, AND FEEDING DIFFICULTIES; PURA-Related Neurodevelopmental Disorders. Identifiers: Orphanet 438213, Orphanet 438216, MedGen C4015357, MONDO:1060108, OMIM 616158, MONDO:0018580.

Submissions (2):

Labcorp Genetics (formerly Invitae), Labcorp
Classification: Likely pathogenic for PURA-related severe neonatal hypotonia-seizures-encephalopathy syndrome. Last evaluated: 2022-08-16. Review status: criteria provided, single submitter. Criteria: Invitae Variant Classification Sherloc (09022015). Collection method: clinical testing. Allele origin: germline.
Comment: This sequence change replaces proline, which is neutral and non-polar, with arginine, which is basic and polar, at codon 260 of the PURA protein (p.Pro260Arg). This variant is not present in population databases (gnomAD no frequency). In summary, the currently available evidence indicates that the variant is pathogenic, but additional data are needed to prove that conclusively. Therefore, this variant has been classified as Likely Pathogenic. Algorithms developed to predict the effect of missense changes on protein structure and function (SIFT, PolyPhen-2, Align-GVGD) all suggest that this variant is likely to be disruptive. ClinVar contains an entry for this variant (Variation ID: 812174). This missense change has been observed in individual(s) with clinical features of PURA-related conditions (PMID: 32238909). In at least one individual the variant was observed to be de novo.

Cavalleri Lab, Royal College of Surgeons in Ireland
Classification: Likely pathogenic for PURA-related severe neonatal hypotonia-seizures-encephalopathy syndrome. Last evaluated: 2019-12-11. Review status: criteria provided, single submitter. Criteria: ACMG Guidelines, 2015. Collection method: research. Allele origin: de novo. Inheritance: Sporadic. Affected: yes.
Comment: ACMG evidence PS2, PM2,PP2, PP3

Literature cited by the submitters: PubMed 32238909 (cited by Labcorp Genetics (formerly Invitae), Labcorp and Cavalleri Lab, Royal College of Surgeons in Ireland).